The following is an entry in ClinVar:

NM_001042545.2(LTBP4):c.4254dup (p.Ser1419fs)

Gene: LTBP4 (latent transforming growth factor beta binding protein 4; plus strand). Cytogenetic location: 19q13.2.
Variant type: Duplication.
Coding change: c.4254dup on transcript NM_001042545.2 (MANE Select); coding-DNA position 4254, one base duplicated (A; older notation c.4254dupA).
Protein change: p.Ser1419fs; shifts the reading frame from serine 1419.
Molecular consequence: frameshift variant.
Genome position (GRCh38, 1-based): chr19:40,627,243, A duplicated; the last of 2 consecutive A bases (chr19:40,627,242-40,627,243); duplicating either gives the same sequence. VCF-style (leftmost placement, unchanged base first): chr19-40627241-G-GA. GRCh37 (hg19) VCF-style: chr19-41133146-G-GA.
Other names: c.4455dup, p.Ser1486fs (NM_001042544.1); c.4344dup, p.Ser1449fs (NM_003573.2); short protein forms S1419fs, S1449fs, S1486fs.
Identifiers: ClinVar variation 4722970 (VCV004722970.1).
Genomic context (GRCh38, chr19:40,627,241, plus strand): 5'-CCTTATGGGGCACCCCGCTTCGACATGCCAGACTTTGAGGACGATGGTGGCCCCTATGGC[G>GA]AATCTGAGGCTCCTGCGCCACCTGGCCCGGGCACCCGCTGGCCCTATCGGTCCCGGGACA-3'

ClinVar aggregate classification (germline): Pathogenic (1 of 4 stars; one submission).

Submission:

Labcorp Genetics (formerly Invitae), Labcorp
Classification: Pathogenic. Last evaluated: 2025-07-22. Review status: criteria provided, single submitter. Criteria: Invitae Variant Classification Sherloc (09022015). Collection method: clinical testing. Allele origin: germline.
Comment: This sequence change creates a premature translational stop signal (p.Ser1449Ilefs*2) in the LTBP4 gene. It is expected to result in an absent or disrupted protein product. Loss-of-function variants in LTBP4 are known to be pathogenic (PMID: 19836010, 22829427). This variant is not present in population databases (gnomAD no frequency). This variant has not been reported in the literature in individuals affected with LTBP4-related conditions. For these reasons, this variant has been classified as Pathogenic.

Literature cited by the submitters: PubMed 19836010; PubMed 22829427.